The following is an entry in ClinVar:

ClinVar aggregate classification (germline): Uncertain significance (1 of 4 stars; one submission).

gnomAD v4.1: 1 of 1,614,106 alleles (0.000062%); highest among the groups gnomAD compares: South Asian, 0.0011%; no homozygotes.

Submission:

Labcorp Genetics (formerly Invitae), Labcorp
Classification: Uncertain significance. Last evaluated: 2025-06-22. Review status: criteria provided, single submitter. Criteria: Invitae Variant Classification Sherloc (09022015). Collection method: clinical testing. Allele origin: germline.
Comment: This sequence change replaces alanine, which is neutral and non-polar, with valine, which is neutral and non-polar, at codon 1555 of the COL4A1 protein (p.Ala1555Val). This variant is not present in population databases (gnomAD no frequency). This variant has not been reported in the literature in individuals affected with COL4A1-related conditions. Invitae Evidence Modeling of protein sequence and biophysical properties (such as structural, functional, and spatial information, amino acid conservation, physicochemical variation, residue mobility, and thermodynamic stability) has been performed for this missense variant. However, the output from this modeling did not meet the statistical confidence thresholds required to predict the impact of this variant on COL4A1 protein function. In summary, the available evidence is currently insufficient to determine the role of this variant in disease. Therefore, it has been classified as a Variant of Uncertain Significance.

NM_001845.6(COL4A1):c.4664C>T (p.Ala1555Val)

Gene: COL4A1 (collagen type IV alpha 1 chain; minus strand). Cytogenetic location: 13q34.
Variant type: single nucleotide variant.
Coding change: c.4664C>T on transcript NM_001845.6 (MANE Select); coding-DNA position 4664, C replaced by T.
Protein change: p.Ala1555Val; replaces alanine 1555 with valine.
Molecular consequence: missense variant.
Genome position (GRCh38, 1-based): chr13:110,155,374, G>A on the plus strand (C>T on the coding strand, the complement: COL4A1 is on the minus strand). VCF-style: chr13-110155374-G-A. GRCh37 (hg19) VCF-style: chr13-110807721-G-A.
Other names: short protein forms A1555V.
Identifiers: ClinVar variation 4693552 (VCV004693552.1).